The following is an entry in ClinVar:

NM_013319.3(UBIAD1):c.370C>A (p.Arg124=)

Gene: UBIAD1 (UbiA prenyltransferase domain containing 1; plus strand). Cytogenetic location: 1p36.22.
Variant type: single nucleotide variant.
Coding change: c.370C>A on transcript NM_013319.3 (MANE Select); coding-DNA position 370, C replaced by A.
Protein change: p.Arg124=; no amino-acid change (arginine 124 retained).
Molecular consequence: synonymous variant.
Genome position (GRCh38, 1-based): chr1:11,273,901, C>A. VCF-style: chr1-11273901-C-A. GRCh37 (hg19) VCF-style: chr1-11333958-C-A.
Other names: c.370C>A, p.Arg124= (NM_001330349.2, NM_001330350.2).
Identifiers: ClinVar variation 291823 (VCV000291823.5), dbSNP rs748615089, ClinGen allele CA591134.

ClinVar aggregate classification (germline): Benign (1 of 4 stars; one submission).

Conditions:
Schnyder crystalline corneal dystrophy (SCCD). Also called: Crystalline corneal dystrophy; Schnyder corneal dystrophy. Identifiers: Orphanet 98967, MedGen C0271287, MONDO:0007374, OMIM 121800.

Allele frequency attached by ClinVar (database versions not stated): gnomAD 0.00004 and 0.00005; gnomAD exomes 0.00004 and 0.00006; TOPMed 0.00006; ExAC 0.00006.

Submission:

Illumina Laboratory Services, Illumina
Classification: Benign for Schnyder crystalline corneal dystrophy. Last evaluated: 2018-01-13. Review status: criteria provided, single submitter. Criteria: ICSL Variant Classification Criteria 13 December 2019. Collection method: clinical testing. Allele origin: germline.
Comment: This variant was observed in the ICSL laboratory as part of a predisposition screen in an ostensibly healthy population. It had not been previously curated by ICSL or reported in the Human Gene Mutation Database (HGMD: prior to June 1st, 2018), and was therefore a candidate for classification through an automated scoring system. Utilizing variant allele frequency, disease prevalence and penetrance estimates, and inheritance mode, an automated score was calculated to assess if this variant is too frequent to cause the disease. Based on the score and internal cut-off values, a variant classified as benign is not then subjected to further curation. The score for this variant resulted in a classification of benign for this disease.